The following is an entry in ClinVar:

NM_000059.4(BRCA2):c.5833_5834insG (p.Ile1945fs)

Gene: BRCA2 (BRCA2 DNA repair associated; plus strand). Cytogenetic location: 13q13.1.
Variant type: Insertion.
Coding change: c.5833_5834insG on transcript NM_000059.4 (MANE Select); coding-DNA positions 5833 to 5834, G inserted.
Protein change: p.Ile1945fs; shifts the reading frame from isoleucine 1945.
Molecular consequence: frameshift variant.
Genome position: GRCh38 VCF-style: chr13-32340188-A-AG. GRCh37 (hg19) VCF-style: chr13-32914325-A-AG.
Other names: short protein forms I1945fs.
Identifiers: ClinVar variation 548401 (VCV000548401.1), dbSNP rs1555284417, ClinGen allele CA658823668.
Genomic context (GRCh38, chr13:32,340,188, plus strand): 5'-CAGAGTGAAGAAATTTTACAACATAACCAAAATATGTCTGGATTGGAGAAAGTTTCTAAA[A>AG]TATCACCTTGTGATGTTAGTTTGGAAACTTCAGATATATGTAAATGTAGTATAGGGAAGC-3'

ClinVar aggregate classification (germline): Pathogenic (3 of 4 stars; one submission).

Conditions:
Breast-ovarian cancer, familial, susceptibility to, 2 (BROVCA2). Also called: BRCA2 Hereditary Breast and Ovarian Cancer. Identifiers: Orphanet 145, MedGen C2675520, MONDO:0012933, OMIM 612555. Disease mechanism: loss of function.

Submission:

Evidence-based Network for the Interpretation of Germline Mutant Alleles (ENIGMA)
Classification: Pathogenic for Breast-ovarian cancer, familial, susceptibility to, 2. Last evaluated: 2017-12-15. Review status: reviewed by expert panel. Criteria: ENIGMA BRCA1/2 Classification Criteria (2017-06-29). Collection method: curation. Allele origin: germline. Study: ENIGMA.
Comment: Variant allele predicted to encode a truncated non-functional protein.